The following is an entry in ClinVar:

NM_018122.5(DARS2):c.948del (p.Pro317fs)

Gene: DARS2 (aspartyl-tRNA synthetase 2, mitochondrial; plus strand). Cytogenetic location: 1q25.1.
Variant type: Deletion.
Coding change: c.948del on transcript NM_018122.5 (MANE Select); coding-DNA position 948, one base deleted (T; older notation c.948delT).
Protein change: p.Pro317fs; shifts the reading frame from proline 317.
Molecular consequence: frameshift variant.
Genome position (GRCh38, 1-based): chr1:173,839,474, T deleted; the last of 4 consecutive T bases (chr1:173,839,471-173,839,474); deleting any one gives the same sequence. VCF-style (leftmost placement, unchanged base first): chr1-173839470-CT-C. GRCh37 (hg19) VCF-style: chr1-173808608-CT-C.
Other names: NM_018122.5(DARS2):c.948del; p.Pro317fs; c.948del, p.Pro317fs (NM_001365212.1, NM_001365213.2); c.948delT (NM_018122.4); c.948del (NM_018122.4); short protein forms P317fs.
Identifiers: ClinVar variation 426745 (VCV000426745.6), dbSNP rs1085307776, ClinGen allele CA421810824.

ClinVar aggregate classification (germline): Pathogenic/Likely pathogenic. Review status: criteria provided, multiple submitters, no conflicts (2 of 4 stars). 3 submissions from 3 submitters: Pathogenic (1); Likely pathogenic (2). Last evaluated 2025-01-21.

Conditions:
Leukoencephalopathy with brain stem and spinal cord involvement-high lactate syndrome (LBSL). Also called: LEUKOENCEPHALOPATHY WITH BRAINSTEM AND SPINAL CORD INVOLVEMENT AND LACTATE ELEVATION, MILD; MITOCHONDRIAL ASPARTYL-tRNA SYNTHETASE DEFICIENCY; Leukoencephalopathy with Brainstem and Spinal Cord Involvement and Lactate Elevation. Identifiers: Orphanet 137898, MedGen C1970180, MONDO:0012622, OMIM 611105.

Submissions (3):

Broad Center for Mendelian Genomics, Broad Institute of MIT and Harvard
Classification: Likely pathogenic for Leukoencephalopathy with brain stem and spinal cord involvement-high lactate syndrome. Last evaluated: 2025-01-21. Review status: criteria provided, single submitter. Criteria: ACMG Guidelines, 2015. Collection method: curation. Allele origin: germline. Inheritance: Autosomal recessive inheritance.
Comment: The p.Pro317LeufsTer3 variant in DARS2 has not been previously reported in the literature in individuals with leukoencephalopathy with brain stem and spinal cord involvement-high lactate syndrome, but has been identified in 0.0007% (8/1180016) of European (non-Finnish) chromosomes by the Genome Aggregation Database (gnomAD; dbSNP rs1437462960). Although this variant has been seen in the general population in a heterozygous state, its frequency is low enough to be consistent with a recessive carrier frequency. This variant has also been reported in ClinVar (Variation ID: 426745) and has been interpreted as likely pathogenic by GeneDx. This variant is predicted to cause a frameshift, which alters the protein's amino acid sequence beginning at position 317 and leads to a premature termination codon 3 amino acids downstream. This alteration is then predicted to lead to a truncated or absent protein. Loss of function of the DARS2 gene is an established disease mechanism in leukoencephalopathy with brain stem and spinal cord involvement-high lactate syndrome. In summary, although additional studies are required to fully establish its clinical significance, this variant is likely pathogenic for autosomal recessive leukoencephalopathy with brain stem and spinal cord involvement-high lactate syndrome. ACMG/AMP Criteria applied: PVS1, PM2_supporting (Richards 2015).

Labcorp Genetics (formerly Invitae), Labcorp
Classification: Pathogenic. Last evaluated: 2024-12-23. Review status: criteria provided, single submitter. Criteria: Invitae Variant Classification Sherloc (09022015). Collection method: clinical testing. Allele origin: germline.
Comment: This sequence change creates a premature translational stop signal (p.Pro317Leufs*3) in the DARS2 gene. It is expected to result in an absent or disrupted protein product. Loss-of-function variants in DARS2 are known to be pathogenic (PMID: 17384640, 24566671). This variant is present in population databases (no rsID available, gnomAD 0.0009%). This variant has not been reported in the literature in individuals affected with DARS2-related conditions. ClinVar contains an entry for this variant (Variation ID: 426745). Algorithms developed to predict the effect of sequence changes on RNA splicing suggest that this variant may disrupt the consensus splice site. For these reasons, this variant has been classified as Pathogenic.

GeneDx
Classification: Likely pathogenic. Last evaluated: 2023-11-21. Review status: criteria provided, single submitter. Criteria: GeneDx Variant Classification Process June 2021. Collection method: clinical testing. Allele origin: germline. Affected: yes.
Comment: Frameshift variant predicted to result in protein truncation or nonsense mediated decay in a gene for which loss of function is a known mechanism of disease; Not observed at significant frequency in large population cohorts (gnomAD); Has not been previously published as pathogenic or benign to our knowledge

Literature cited by the submitters: PubMed 17384640 (cited by Labcorp Genetics (formerly Invitae), Labcorp); PubMed 24566671 (cited by Labcorp Genetics (formerly Invitae), Labcorp).